The following is an entry in ClinVar:

ClinVar aggregate classification (germline): Likely benign (1 of 4 stars; one submission).

Allele frequency attached by ClinVar (database versions not stated): gnomAD exomes 0.00001; TOPMed below 0.00001.
gnomAD v4.1: 4 of 1,529,970 alleles (0.00026%); highest among the groups gnomAD compares: Non-Finnish European, 0.00035%; no homozygotes.

Submission:

GeneDx
Classification: Likely benign. Last evaluated: 2014-10-29. Review status: criteria provided, single submitter. Criteria: GeneDx Variant Classification (06012015). Collection method: clinical testing. Allele origin: germline. Affected: yes.
Comment: This variant is considered likely benign or benign based on one or more of the following criteria: it is a conservative change, it occurs at a poorly conserved position in the protein, it is predicted to be benign by multiple in silico algorithms, and/or has population frequency not consistent with disease.

NM_004360.5(CDH1):c.-24C>G

Genes: CDH1 (cadherin 1; plus strand), LOC130059290 (ATAC-STARR-seq lymphoblastoid silent region 7650; plus strand). Cytogenetic location: 16q22.1.
Variant type: single nucleotide variant.
Coding change: c.-24C>G on transcript NM_004360.5 (MANE Select); 24 bases upstream of the start codon, C replaced by G.
Molecular consequence: 5 prime UTR variant.
Genome position (GRCh38, 1-based): chr16:68,737,392, C>G. VCF-style: chr16-68737392-C-G. GRCh37 (hg19) VCF-style: chr16-68771295-C-G.
Other names: c.-24C>G (LRG_301t1, NM_001317184.2); c.-1843C>G (NM_001317186.2); c.-1639C>G (NM_001317185.2).
Identifiers: ClinVar variation 182366 (VCV000182366.1), dbSNP rs730881644, ClinGen allele CA298921.